The following is an entry in ClinVar:

NM_001365276.2(TNXB):c.6032A>G (p.Glu2011Gly)

Gene: TNXB (tenascin XB; minus strand). Cytogenetic location: 6p21.33.
Variant type: single nucleotide variant.
Coding change: c.6032A>G on transcript NM_001365276.2 (MANE Select); coding-DNA position 6032, A replaced by G.
Protein change: p.Glu2011Gly; replaces glutamic acid 2011 with glycine.
Molecular consequence: missense variant.
Genome position (GRCh38, 1-based): chr6:32,068,578, T>C on the plus strand (A>G on the coding strand, the complement: TNXB is on the minus strand). VCF-style: chr6-32068578-T-C. GRCh37 (hg19) VCF-style: chr6-32036355-T-C.
Other names: c.6773A>G, p.Glu2258Gly (NM_001428335.1); c.6032A>G, p.Glu2011Gly (NM_019105.8); short protein forms E2258G, E2011G.
Identifiers: ClinVar variation 4615178 (VCV004615178.1).

ClinVar aggregate classification (germline): Uncertain significance (1 of 4 stars; one submission).

Conditions:
Cardiovascular phenotype. Identifiers: MedGen CN230736.

gnomAD v4.1: 2 of 1,613,954 alleles (0.00012%); no homozygotes.

Submission:

Ambry Genetics
Classification: Uncertain significance for Cardiovascular phenotype. Last evaluated: 2025-11-22. Review status: criteria provided, single submitter. Criteria: Ambry Variant Classification Scheme 2023. Collection method: clinical testing. Allele origin: germline.
Comment: The p.E2011G variant (also known as c.6032A>G), located in coding exon 16 of the TNXB gene, results from an A to G substitution at nucleotide position 6032. The glutamic acid at codon 2011 is replaced by glycine, an amino acid with similar properties. This amino acid position is conserved. In addition, this alteration is predicted to be tolerated by in silico analysis. Based on the available evidence, the clinical significance of this variant remains unclear.